The following is an entry in ClinVar:

ClinVar aggregate classification (germline): Uncertain significance (1 of 4 stars; one submission).

Conditions:
Pyridoxal phosphate-responsive seizures (PNPOD). Also called: Pyridoxamine 5-Prime-Phosphate Oxidase Deficiency; Pyridoxine-5'-phosphate oxidase deficiency; Pyridoxal 5'-Phosphate (PLP)-Dependent Epilepsy; EPILEPTIC ENCEPHALOPATHY, NEONATAL, PNPO-RELATED; SEIZURES, PYRIDOXINE-RESISTANT, PLP-SENSITIVE. Identifiers: Orphanet 79096, MedGen C1864723, MONDO:0012407, OMIM 610090. Disease mechanism: loss of function.

Allele frequency attached by ClinVar (database versions not stated): TOPMed 0.00001.

Submission:

Labcorp Genetics (formerly Invitae), Labcorp
Classification: Uncertain significance for Pyridoxal phosphate-responsive seizures. Last evaluated: 2022-06-08. Review status: criteria provided, single submitter. Criteria: Invitae Variant Classification Sherloc (09022015). Collection method: clinical testing. Allele origin: germline.
Comment: This sequence change replaces alanine, which is neutral and non-polar, with threonine, which is neutral and polar, at codon 47 of the PNPO protein (p.Ala47Thr). This variant is not present in population databases (gnomAD no frequency). This variant has not been reported in the literature in individuals affected with PNPO-related conditions. ClinVar contains an entry for this variant (Variation ID: 1054203). Algorithms developed to predict the effect of missense changes on protein structure and function (SIFT, PolyPhen-2, Align-GVGD) all suggest that this variant is likely to be tolerated. In summary, the available evidence is currently insufficient to determine the role of this variant in disease. Therefore, it has been classified as a Variant of Uncertain Significance.

NM_018129.4(PNPO):c.139G>A (p.Ala47Thr)

Gene: PNPO (pyridoxamine 5'-phosphate oxidase; plus strand). Cytogenetic location: 17q21.32.
Variant type: single nucleotide variant.
Coding change: c.139G>A on transcript NM_018129.4 (MANE Select); coding-DNA position 139, G replaced by A.
Protein change: p.Ala47Thr; replaces alanine 47 with threonine.
Molecular consequence: missense variant.
Genome position (GRCh38, 1-based): chr17:47,943,306, G>A. VCF-style: chr17-47943306-G-A. GRCh37 (hg19) VCF-style: chr17-46020672-G-A.
Other names: short protein forms A47T.
Identifiers: ClinVar variation 1054203 (VCV001054203.6), dbSNP rs2035966950, ClinGen allele CA400055993.